The following is an entry in ClinVar:

NM_000478.6(ALPL):c.704A>T (p.Glu235Val)

Gene: ALPL (alkaline phosphatase, biomineralization associated; plus strand). Cytogenetic location: 1p36.12.
Variant type: single nucleotide variant.
Coding change: c.704A>T on transcript NM_000478.6 (MANE Select); coding-DNA position 704, A replaced by T.
Protein change: p.Glu235Val; replaces glutamic acid 235 with valine.
Molecular consequence: missense variant.
Genome position (GRCh38, 1-based): chr1:21,568,159, A>T. VCF-style: chr1-21568159-A-T. GRCh37 (hg19) VCF-style: chr1-21894652-A-T.
Other names: c.539A>T, p.Glu180Val (NM_001127501.4); c.473A>T, p.Glu158Val (NM_001177520.3); c.704A>T, p.Glu235Val (NM_001369803.2, NM_001369804.2, NM_001369805.2); short protein forms E158V, E180V, E235V.
Identifiers: ClinVar variation 4294344 (VCV004294344.1).

ClinVar aggregate classification (germline): Likely pathogenic (1 of 4 stars; one submission).

Conditions:
Hypophosphatasia. Also called: Phosphoethanol-aminuria. Identifiers: Orphanet 436, MedGen C0020630, MeSH D007014, MONDO:0018570.

Submission:

JKU Lab, Dept of Paediatrics, Johannes Kepler University
Classification: Likely pathogenic for Hypophosphatasia. Last evaluated: 2025-04-25. Review status: criteria provided, single submitter. Criteria: ACMG Guidelines, 2015. Collection method: curation, in vitro. Allele origin: germline, not applicable. Affected: yes. Functional consequence: decreased enzyme activity.
Comment: This missense variant is not present in GnomAD 4.1 and affects a highly conserved amino acid in the phosphorylation (putative) site domain. The variant is predicted to affect protein function (REVEL score: 0.935). Splice-prediction algorithms predict no effect on splicing. In vitro functional studies showed reduced ALP activity, without a dominant negative effect. This variant has been reported in the literature in individuals affected with ALPL-related conditions (PMID:31707452). The results of the functional testing and the applied ACMG criteria can be viewed at an online resource

Literature cited by the submitters: PubMed 31707452.